The following is an entry in ClinVar:

NM_183357.3(ADCY5):c.2351C>T (p.Pro784Leu)

Gene: ADCY5 (adenylate cyclase 5; minus strand). Cytogenetic location: 3q21.1.
Variant type: single nucleotide variant.
Coding change: c.2351C>T on transcript NM_183357.3 (MANE Select); coding-DNA position 2351, C replaced by T.
Protein change: p.Pro784Leu; replaces proline 784 with leucine.
Molecular consequence: missense variant.
Genome position (GRCh38, 1-based): chr3:123,318,023, G>A on the plus strand (C>T on the coding strand, the complement: ADCY5 is on the minus strand). VCF-style: chr3-123318023-G-A. GRCh37 (hg19) VCF-style: chr3-123036870-G-A.
Other names: c.1301C>T, p.Pro434Leu (NM_001199642.1); c.2351C>T, p.Pro784Leu (NM_001378259.1); short protein forms P434L, P784L.
Identifiers: ClinVar variation 3900355 (VCV003900355.1).
Genomic context (GRCh38, chr3:123,318,023, plus strand): 5'-ACTCCTGGGATTCCCTGCAGCCAGAGGAAGGAGCCCAAGAGGGACGGGGATACTCACTGG[G>A]GCACGATGGTGATCTGGACAAAGCAGATGAAGAGGAAGACGAGCGAGGCACACGCCACAT-3'
Protein context (NP_899200.1, residues 774-794): FICFVQITIV[Pro784Leu]HSIFMLSFYL

ClinVar aggregate classification (germline): Uncertain significance (1 of 4 stars; one submission).

Submission:

GeneDx
Classification: Uncertain significance. Last evaluated: 2024-11-13. Review status: criteria provided, single submitter. Criteria: GeneDx Variant Classification Process June 2021. Collection method: clinical testing. Allele origin: germline. Affected: yes.
Comment: Not observed at significant frequency in large population cohorts (gnomAD); In silico analysis supports that this missense variant has a deleterious effect on protein structure/function; Has not been previously published as pathogenic or benign to our knowledge